The following is an entry in ClinVar:

NM_002474.3(MYH11):c.1871G>A (p.Arg624His)

Gene: MYH11 (myosin heavy chain 11; minus strand). Cytogenetic location: 16p13.11.
Variant type: single nucleotide variant.
Coding change: c.1871G>A on transcript NM_002474.3 (MANE Select); coding-DNA position 1871, G replaced by A.
Protein change: p.Arg624His; replaces arginine 624 with histidine.
Molecular consequence: missense variant.
Genome position (GRCh38, 1-based): chr16:15,750,325, C>T on the plus strand (G>A on the coding strand, the complement: MYH11 is on the minus strand). VCF-style: chr16-15750325-C-T. GRCh37 (hg19) VCF-style: chr16-15844182-C-T.
Other names: c.1892G>A, p.Arg631His (NM_001040113.2, NM_001040114.2); c.1871G>A, p.Arg624His (NM_022844.3); short protein forms R631H, R624H.
Identifiers: ClinVar variation 155815 (VCV000155815.18), dbSNP rs201991156, ClinGen allele CA345838.
Genomic context (GRCh38, chr16:15,750,325, plus strand): 5'-TTGGAGGCGCTGGGCAGCGAGCTCTCCGTCATCTTGGCCATCTGGTCCAGGCCCACGATG[C>T]GGTCCACTATGGGGCACAGCCAGGGTGGCATCAGCCTCTGGCCCACCCACCCCTAAATAG-3'
Protein context (NP_002465.1, residues 614-634): FVADLWKDVD[Arg624His]IVGLDQMAKM

ClinVar aggregate classification (germline): Benign/Likely benign. Review status: criteria provided, multiple submitters, no conflicts (2 of 4 stars). 5 submissions from 5 submitters: Benign (3); Likely benign (2). Last evaluated 2025-12-29.

Conditions:
Familial thoracic aortic aneurysm and aortic dissection (TAAD). Also called: Thoracic aortic aneurysms and dissections. Identifiers: Orphanet 91387, MedGen C4707243, MONDO:0019625.
Aortic aneurysm, familial thoracic 4 (AAT4). Also called: AORTIC ANEURYSM/AORTIC DISSECTION AND PATENT DUCTUS ARTERIOSUS. Identifiers: MedGen C1851504, MONDO:0007568, OMIM 132900.

Allele frequency attached by ClinVar (database versions not stated): TOPMed 0.00003; 1000 Genomes Project 30x 0.00031; 1000 Genomes Project 0.00040; gnomAD 0.00067 and 0.00068.
gnomAD v4.1: 667 of 1,601,094 alleles (0.042%); highest among the groups gnomAD compares: South Asian, 0.06%; 6 homozygotes.

Submissions (5):

Labcorp Genetics (formerly Invitae), Labcorp
Classification: Benign for Aortic aneurysm, familial thoracic 4. Last evaluated: 2025-12-29. Review status: criteria provided, single submitter. Criteria: Invitae Variant Classification Sherloc (09022015). Collection method: clinical testing. Allele origin: germline.

Ambry Genetics
Classification: Likely benign for Familial thoracic aortic aneurysm and aortic dissection. Last evaluated: 2025-07-31. Review status: criteria provided, single submitter. Criteria: Ambry Variant Classification Scheme 2023. Collection method: clinical testing. Allele origin: germline.

Blueprint Genetics
Classification: Likely benign. Last evaluated: 2024-11-25. Review status: criteria provided, single submitter. Criteria: ACMG Guidelines, 2015. Collection method: clinical testing. Allele origin: germline.

Color Diagnostics, LLC DBA Color Health
Classification: Benign for Familial thoracic aortic aneurysm and aortic dissection. Last evaluated: 2018-10-18. Review status: criteria provided, single submitter. Criteria: ACMG Guidelines, 2015. Collection method: clinical testing. Allele origin: germline.

GeneDx
Classification: Benign. Last evaluated: 2018-01-09. Review status: criteria provided, single submitter. Criteria: GeneDx Variant Classification (06012015). Collection method: clinical testing. Allele origin: germline. Affected: yes.
Comment: This variant is considered likely benign or benign based on one or more of the following criteria: it is a conservative change, it occurs at a poorly conserved position in the protein, it is predicted to be benign by multiple in silico algorithms, and/or has population frequency not consistent with disease.